The following is an entry in ClinVar:

ClinVar aggregate classification (germline): Uncertain significance. Review status: criteria provided, multiple submitters, no conflicts (2 of 4 stars). 4 submissions from 4 submitters: Uncertain significance (2). 2 of the submissions do not count toward it. Last evaluated 2023-12-04.

Conditions:
Cardiomyopathy (CMYO). Also called: Cardiomyopathies. Identifiers: Orphanet 167848, MedGen C0878544, MONDO:0004994, HP:0001638. Inheritance: Various modes of inheritance.

Submissions (4):

Color Diagnostics, LLC DBA Color Health
Classification: Uncertain significance for Cardiomyopathy. Last evaluated: 2023-12-04. Review status: criteria provided, single submitter. Criteria: ACMG Guidelines, 2015. Collection method: clinical testing. Allele origin: germline.
Comment: This missense variant replaces lysine with arginine at codon 1043 of the MYH7 protein. Computational prediction tools and conservation analyses are inconclusive regarding the impact of this variant on the protein function. Computational splicing tools suggest that this variant may not impact RNA splicing. To our knowledge, functional assays have not been performed for this variant nor has this variant been reported in individuals affected with cardiovascular disorders in the literature. This variant has not been identified in the general population by the Genome Aggregation Database (gnomAD). Available evidence is insufficient to determine the role of this variant in disease conclusively. Therefore, this variant is classified as a Variant of Uncertain Significance.

CHEO Genetics Diagnostic Laboratory, Children's Hospital of Eastern Ontario
Classification: Uncertain significance for Cardiomyopathy. Last evaluated: 2023-06-06. Review status: criteria provided, single submitter. Criteria: ACMG Guidelines, 2015. Collection method: clinical testing. Allele origin: germline.

Clinical Genetics DNA and cytogenetics Diagnostics Lab, Erasmus MC, Erasmus Medical Center
Classification: Uncertain significance. Review status: no assertion criteria provided. Collection method: clinical testing. Allele origin: germline. Affected: yes. Study: VKGL Data-share Consensus. Not counted in ClinVar's aggregate classification.

Diagnostic Laboratory, Department of Genetics, University Medical Center Groningen
Classification: Uncertain significance. Review status: no assertion criteria provided. Collection method: clinical testing. Allele origin: germline. Affected: yes. Study: VKGL Data-share Consensus. Not counted in ClinVar's aggregate classification.

NM_000257.4(MYH7):c.3128A>G (p.Lys1043Arg)

Gene: MYH7 (myosin heavy chain 7; minus strand). Cytogenetic location: 14q11.2.
Variant type: single nucleotide variant.
Coding change: c.3128A>G on transcript NM_000257.4 (MANE Select); coding-DNA position 3128, A replaced by G.
Protein change: p.Lys1043Arg; replaces lysine 1043 with arginine.
Molecular consequence: missense variant.
Genome position (GRCh38, 1-based): chr14:23,422,297, T>C on the plus strand (A>G on the coding strand, the complement: MYH7 is on the minus strand). VCF-style: chr14-23422297-T-C. GRCh37 (hg19) VCF-style: chr14-23891506-T-C.
Other names: c.3128A>G (NM_000257.2); short protein forms K1043R.
Identifiers: ClinVar variation 921353 (VCV000921353.10), dbSNP rs1892505925, ClinGen allele CA389045444.